The following is an entry in ClinVar:

ClinVar aggregate classification (germline): Pathogenic (1 of 4 stars; one submission).

gnomAD v4.1: 2 of 1,613,978 alleles (0.00012%); highest among the groups gnomAD compares: Non-Finnish European, 0.00017%; no homozygotes.

Submission:

Labcorp Genetics (formerly Invitae), Labcorp
Classification: Pathogenic. Last evaluated: 2023-09-23. Review status: criteria provided, single submitter. Criteria: Invitae Variant Classification Sherloc (09022015). Collection method: clinical testing. Allele origin: germline.
Comment: For these reasons, this variant has been classified as Pathogenic. This variant has not been reported in the literature in individuals affected with CEP152-related conditions. This variant is present in population databases (no rsID available, gnomAD 0.002%). This sequence change creates a premature translational stop signal (p.Tyr370*) in the CEP152 gene. It is expected to result in an absent or disrupted protein product. Loss-of-function variants in CEP152 are known to be pathogenic (PMID: 21131973).

Literature cited by the submitters: PubMed 21131973.

NM_001194998.2(CEP152):c.1110C>G (p.Tyr370Ter)

Gene: CEP152 (centrosomal protein 152; minus strand). Cytogenetic location: 15q21.1.
Variant type: single nucleotide variant.
Coding change: c.1110C>G on transcript NM_001194998.2 (MANE Select); coding-DNA position 1110, C replaced by G.
Protein change: p.Tyr370Ter; replaces tyrosine 370 with a stop codon.
Molecular consequence: nonsense.
Genome position (GRCh38, 1-based): chr15:48,788,864, G>C on the plus strand (C>G on the coding strand, the complement: CEP152 is on the minus strand). VCF-style: chr15-48788864-G-C. GRCh37 (hg19) VCF-style: chr15-49081061-G-C.
Other names: c.1110C>G, p.Tyr370Ter (NM_014985.4); short protein forms Y370*.
Identifiers: ClinVar variation 3000451 (VCV003000451.3), dbSNP rs946314518, ClinGen allele CA392355237.
Genomic context (GRCh38, chr15:48,788,864, plus strand): 5'-TTCTTTAAGTGCGGTGACTGTGGCATCCAAATTCTTTTGTAAGGACAATACTTGCTCTTC[G>C]TACTTCTTTGTGAGGCCCATAACAATGCTCTCATGCTGTTCTCTAGCTCGTTGAAGTGAT-3'